The following is an entry in ClinVar:

ClinVar aggregate classification (germline): Pathogenic/Likely pathogenic. Review status: criteria provided, multiple submitters, no conflicts (2 of 4 stars). 2 submissions from 2 submitters: Pathogenic (1); Likely pathogenic (1). Last evaluated 2024-02-21.

Conditions:
Hereditary cancer-predisposing syndrome. Also called: Hereditary neoplastic syndrome; Tumor predisposition; Neoplastic Syndromes, Hereditary; Hereditary Cancer Syndrome. Identifiers: Orphanet 140162, MedGen C0027672, MeSH D009386, MONDO:0015356.
Fanconi anemia complementation group O. Also called: RAD51C-Related Fanconi Anemia. Identifiers: Orphanet 84, MedGen C3150653, MONDO:0013248, OMIM 613390.

Submissions (2):

Department of Pathology and Laboratory Medicine, Sinai Health System
Classification: Likely pathogenic for Fanconi anemia complementation group O. Last evaluated: 2024-02-21. Review status: criteria provided, single submitter. Criteria: ACMG Guidelines, 2015. Collection method: clinical testing. Allele origin: germline. Affected: no.

Ambry Genetics
Classification: Pathogenic for Hereditary cancer-predisposing syndrome. Last evaluated: 2023-02-03. Review status: criteria provided, single submitter. Criteria: Ambry Variant Classification Scheme 2023. Collection method: clinical testing. Allele origin: germline.
Comment: The c.122delT pathogenic mutation, located in coding exon 1 of the RAD51C gene, results from a deletion of one nucleotide at nucleotide position 122, causing a translational frameshift with a predicted alternate stop codon (p.V41Gfs*18). This variant was identified in a cohort of 882 Chinese individuals with a personal and/or family history of breast or ovarian cancers who underwent multi-gene panel testing for HBOC risk assessment (Shao D et al. Cancer Sci, 2020 Feb;111:647-657). This variant is considered to be rare based on population cohorts in the Genome Aggregation Database (gnomAD). In addition to the clinical data presented in the literature, this alteration is expected to result in loss of function by premature protein truncation or nonsense-mediated mRNA decay. As such, this alteration is interpreted as a disease-causing mutation.

Literature cited by the submitters: PubMed 31742824 (cited by Department of Pathology and Laboratory Medicine, Sinai Health System and Ambry Genetics).

NM_058216.3(RAD51C):c.122del (p.Val41fs)

Gene: RAD51C (RAD51 paralog C; plus strand). Cytogenetic location: 17q22.
Variant type: Deletion.
Coding change: c.122del on transcript NM_058216.3 (MANE Select); coding-DNA position 122, one base deleted (T; older notation c.122delT).
Protein change: p.Val41fs; shifts the reading frame from valine 41.
Molecular consequence: frameshift variant. On other transcripts: non-coding transcript variant (1).
Genome position (GRCh38, 1-based): chr17:58,692,765, T deleted. VCF-style (leftmost placement, unchanged base first): chr17-58692764-GT-G. GRCh37 (hg19) VCF-style: chr17-56770125-GT-G.
Other names: c.122del, p.Val41fs (NM_002876.4); c.122delT, p.Val41Glyfs (NM_058217.1); short protein forms V41fs.
Identifiers: ClinVar variation 2447778 (VCV002447778.3), dbSNP rs2509262340, ClinGen allele CA2580094337.